The following is an entry in ClinVar:

ClinVar aggregate classification (germline): Uncertain significance (1 of 4 stars; one submission).

Submission:

GeneDx
Classification: Uncertain significance. Last evaluated: 2022-09-13. Review status: criteria provided, single submitter. Criteria: GeneDx Variant Classification Process June 2021. Collection method: clinical testing. Allele origin: germline. Affected: yes.
Comment: Not observed at significant frequency in large population cohorts (gnomAD); In silico analysis supports that this missense variant does not alter protein structure/function; Has not been previously published as pathogenic or benign to our knowledge

NM_005909.5(MAP1B):c.6246A>T (p.Leu2082Phe)

Gene: MAP1B (microtubule associated protein 1B; plus strand). Cytogenetic location: 5q13.2.
Variant type: single nucleotide variant.
Coding change: c.6246A>T on transcript NM_005909.5 (MANE Select); coding-DNA position 6246, A replaced by T.
Protein change: p.Leu2082Phe; replaces leucine 2082 with phenylalanine.
Molecular consequence: missense variant.
Genome position (GRCh38, 1-based): chr5:72,199,601, A>T. VCF-style: chr5-72199601-A-T. GRCh37 (hg19) VCF-style: chr5-71495428-A-T.
Other names: c.5868A>T, p.Leu1956Phe (NM_001324255.2); short protein forms L1956F, L2082F.
Identifiers: ClinVar variation 2443485 (VCV002443485.1), dbSNP rs769548506, ClinGen allele CA360022186.